The following is an entry in ClinVar:

ClinVar aggregate classification (germline): Uncertain significance. Review status: criteria provided, multiple submitters, no conflicts (2 of 4 stars). 4 submissions from 4 submitters: Uncertain significance (4). Last evaluated 2026-09-04.

Conditions:
Tuberous sclerosis 1 (TSC1). Identifiers: Orphanet 805, MedGen C1854465, MONDO:0008612, OMIM 191100.
Tuberous sclerosis syndrome (TSC). Also called: Tuberous sclerosis; Tuberous Sclerosis Complex. Identifiers: Orphanet 805, MedGen C0041341, MONDO:0001734.
Hereditary cancer-predisposing syndrome. Also called: Hereditary Cancer Syndrome; Hereditary neoplastic syndrome; Neoplastic Syndromes, Hereditary; Tumor predisposition. Identifiers: Orphanet 140162, MedGen C0027672, MeSH D009386, MONDO:0015356.

Allele frequency attached by ClinVar (database versions not stated): gnomAD exomes below 0.00001.
gnomAD v4.1: 2 of 1,614,208 alleles (0.00012%); highest among the groups gnomAD compares: Non-Finnish European, 0.00017%; no homozygotes.

Submissions (4):

Ambry Genetics
Classification: Uncertain significance for Hereditary cancer-predisposing syndrome. Last evaluated: 2026-09-04. Review status: criteria provided, single submitter. Criteria: Ambry Variant Classification Scheme 2023. Collection method: clinical testing. Allele origin: germline.
Comment: The p.V80A variant (also known as c.239T>C), located in coding exon 3 of the TSC1 gene, results from a T to C substitution at nucleotide position 239. The valine at codon 80 is replaced by alanine, an amino acid with similar properties. This amino acid position is not well conserved in available vertebrate species. In addition, the in silico prediction for this alteration is inconclusive. Based on the available evidence, the clinical significance of this variant remains unclear.

Labcorp Genetics (formerly Invitae), Labcorp
Classification: Uncertain significance for Tuberous sclerosis 1. Last evaluated: 2024-05-28. Review status: criteria provided, single submitter. Criteria: Invitae Variant Classification Sherloc (09022015). Collection method: clinical testing. Allele origin: germline.
Comment: This sequence change replaces valine, which is neutral and non-polar, with alanine, which is neutral and non-polar, at codon 80 of the TSC1 protein (p.Val80Ala). This variant is not present in population databases (gnomAD no frequency). This variant has not been reported in the literature in individuals affected with TSC1-related conditions. Advanced modeling of protein sequence and biophysical properties (such as structural, functional, and spatial information, amino acid conservation, physicochemical variation, residue mobility, and thermodynamic stability) performed at Invitae indicates that this missense variant is not expected to disrupt TSC1 protein function with a negative predictive value of 95%. In summary, the available evidence is currently insufficient to determine the role of this variant in disease. Therefore, it has been classified as a Variant of Uncertain Significance.

All of Us Research Program, National Institutes of Health
Classification: Uncertain significance for Tuberous sclerosis syndrome. Last evaluated: 2023-10-23. Review status: criteria provided, single submitter. Criteria: ACMG Guidelines, 2015. Collection method: clinical testing. Allele origin: germline. Inheritance: Autosomal dominant inheritance. Observed: 1 variant allele, 1 heterozygote.
Comment: This missense variant replaces valine with alanine at codon 80 of the TSC1 protein. Computational prediction suggests that this variant may not impact protein structure and function (internally defined REVEL score threshold <= 0.5, PMID: 27666373). To our knowledge, functional studies have not been reported for this variant. This variant has not been reported in individuals affected with TSC1-related disorders in the literature. This variant has not been identified in the general population by the Genome Aggregation Database (gnomAD). The available evidence is insufficient to determine the role of this variant in disease conclusively. Therefore, this variant is classified as a Variant of Uncertain Significance.

This study involves interpretation of variants in research participants for the purpose of population health screening. Participant phenotype was not available at the time of variant classification. Additional details can be found in publication PMID: 35346344, PMCID: PMC8962531

Color Diagnostics, LLC DBA Color Health
Classification: Uncertain significance for Tuberous sclerosis syndrome. Last evaluated: 2023-10-05. Review status: criteria provided, single submitter. Criteria: ACMG Guidelines, 2015. Collection method: clinical testing. Allele origin: germline.
Comment: This missense variant replaces valine with alanine at codon 80 of the TSC1 protein. Computational prediction suggests that this variant may not impact protein structure and function. To our knowledge, functional studies have not been reported for this variant. This variant has not been reported in individuals affected with TSC1-related disorders in the literature. This variant has not been identified in the general population by the Genome Aggregation Database (gnomAD). The available evidence is insufficient to determine the role of this variant in disease conclusively. Therefore, this variant is classified as a Variant of Uncertain Significance.

NM_000368.5(TSC1):c.239T>C (p.Val80Ala)

Gene: TSC1 (TSC complex subunit 1; minus strand). Cytogenetic location: 9q34.13.
Variant type: single nucleotide variant.
Coding change: c.239T>C on transcript NM_000368.5 (MANE Select); coding-DNA position 239, T replaced by C.
Protein change: p.Val80Ala; replaces valine 80 with alanine.
Molecular consequence: missense variant. On other transcripts: 5 prime UTR variant (18), non-coding transcript variant (5), intron variant (5).
Genome position (GRCh38, 1-based): chr9:132,925,711, A>G on the plus strand (T>C on the coding strand, the complement: TSC1 is on the minus strand). VCF-style: chr9-132925711-A-G. GRCh37 (hg19) VCF-style: chr9-135801098-A-G.
Other names: c.239T>C, p.Val80Ala (NM_001162426.2, NM_001406592.1, NM_001406593.1 and 16 more transcripts); c.-125T>C (NM_001362177.2, NM_001406617.1, NM_001406618.1 and 5 more transcripts); c.-217T>C (NM_001406614.1, NM_001406616.1, NM_001406624.1); c.-250T>C (NM_001406615.1, NM_001406623.1); c.-639T>C (NM_001406626.1, NM_001406627.1, NM_001406628.1); c.-781T>C (NM_001406629.1); c.-855T>C (NM_001406630.1); c.210+1490T>C (NM_001406613.1, NM_001406612.1, NM_001406610.1 and 2 more transcripts); short protein forms V80A.
Identifiers: ClinVar variation 2793079 (VCV002793079.6), dbSNP rs2132237603, ClinGen allele CA375374754.